The following is an entry in ClinVar:

NC_012920.1(MT-ND1):m.3337G>A

Gene: MT-ND1 (mitochondrially encoded NADH dehydrogenase 1; plus strand).
Variant type: single nucleotide variant.
Genome position: chrM-3337-G-A.
Identifiers: ClinVar variation 692337 (VCV000692337.3), dbSNP rs1556422709, ClinGen allele CA414772566.
Genomic context (GRCh38, chrMT:3,337, plus strand): 5'-GTCAGAGGTTCAATTCCTCTTCTTAACAACATACCCATGGCCAACCTCCTACTCCTCATT[G>A]TACCCATTCTAATCGCAATGGCATTCCTAATGCTTACCGAACGAAAAATTCTAGGCTATA-3'

ClinVar aggregate classification (germline): Benign. Review status: criteria provided, multiple submitters, no conflicts (2 of 4 stars). 3 submissions from 3 submitters: Benign (3). Last evaluated 2025-02-16.

Conditions:
Leigh syndrome (NULS). Also called: Leigh's necrotizing encephalopathy; Leigh's disease; Leigh Syndrome (mtDNA deletion); Leigh Disease; Subacute necrotizing encephalopathy; Necrotizing encephalopathy infantile subacute of Leigh. Identifiers: Orphanet 506, MedGen C2931891, MONDO:0009723, OMIM 256000.

Submissions (3):

Laboratory of Genetics, Children's Clinical University Hospital Latvia
Classification: Benign. Last evaluated: 2025-02-16. Review status: criteria provided, single submitter. Criteria: ACMG Guidelines, 2015. Collection method: clinical testing. Allele origin: germline. Affected: yes.

Wong Mito Lab, Molecular and Human Genetics, Baylor College of Medicine
Classification: Benign for Leigh syndrome. Last evaluated: 2019-10-17. Review status: criteria provided, single submitter. Criteria: Modified ACMG Guidelines (Unpublished). Collection method: clinical testing. Allele origin: germline.
Comment: The NC_012920.1:m.3337G>A (YP_003024026.1:p.Val11Met) variant in MTND1 gene is interpretated to be a Benign variant based on the modified ACMG guidelines (unpublished). This variant meets the following evidence codes: BS1, BS2

Breakthrough Genomics
Classification: Benign. Review status: criteria provided, single submitter. Criteria: ACMG Guidelines, 2015. Collection method: not provided. Allele origin: germline. Inheritance: Unknown mechanism. Affected: yes.

Literature cited by the submitters: PubMed 18502698 (cited by Wong Mito Lab, Molecular and Human Genetics, Baylor College of Medicine).